The following is an entry in ClinVar:

NM_000489.6(ATRX):c.2513A>G (p.Lys838Arg)

Gene: ATRX (ATRX chromatin remodeler; minus strand). Cytogenetic location: Xq21.1.
Variant type: single nucleotide variant.
Coding change: c.2513A>G on transcript NM_000489.6 (MANE Select); coding-DNA position 2513, A replaced by G.
Protein change: p.Lys838Arg; replaces lysine 838 with arginine.
Molecular consequence: missense variant.
Genome position (GRCh38, 1-based): chrX:77,682,743, T>C on the plus strand (A>G on the coding strand, the complement: ATRX is on the minus strand). VCF-style: chrX-77682743-T-C. GRCh37 (hg19) VCF-style: chrX-76938235-T-C.
Other names: c.2399A>G, p.Lys800Arg (NM_138270.5); c.2513A>G (NM_000489.3); short protein forms K838R, K800R.
Identifiers: ClinVar variation 133648 (VCV000133648.30), dbSNP rs587778085, ClinGen allele CA157220.

ClinVar aggregate classification (germline): Conflicting classifications of pathogenicity. Review status: criteria provided, conflicting classifications (1 of 4 stars). 4 submissions from 4 submitters: Uncertain significance (2); Likely benign (1). 1 of the submissions does not count toward it. Last evaluated 2025-10-24.

Conditions:
Inborn genetic diseases. Identifiers: MedGen C0950123, MeSH D030342.
Alpha thalassemia-X-linked intellectual disability syndrome (ATRX). Also called: X-linked alpha-thalassemia-mental retardation syndrome; ALPHA-THALASSEMIA/MENTAL RETARDATION SYNDROME, X-LINKED; ATR, NONDELETION TYPE; ATR-X syndrome; Alpha thalassemia mental retardation syndrome, nondeletion type, X-linked; XLMR hypotonic face syndrome. Identifiers: Orphanet 847, MedGen C1845055, MONDO:0010519, OMIM 301040.

Allele frequency attached by ClinVar (database versions not stated): gnomAD 0.00001.
gnomAD v4.1: 1 of 1,208,528 alleles (0.000083%); highest among the groups gnomAD compares: African/African-American, 0.0018%; no homozygotes.

Submissions (4):

Labcorp Genetics (formerly Invitae), Labcorp
Classification: Uncertain significance for Alpha thalassemia-X-linked intellectual disability syndrome. Last evaluated: 2025-10-24. Review status: criteria provided, single submitter. Criteria: Invitae Variant Classification Sherloc (09022015). Collection method: clinical testing. Allele origin: germline.
Comment: This sequence change replaces lysine, which is basic and polar, with arginine, which is basic and polar, at codon 838 of the ATRX protein (p.Lys838Arg). This variant is not present in population databases (gnomAD no frequency). This variant has not been reported in the literature in individuals affected with ATRX-related conditions. ClinVar contains an entry for this variant (Variation ID: 133648). Invitae Evidence Modeling of protein sequence and biophysical properties (such as structural, functional, and spatial information, amino acid conservation, physicochemical variation, residue mobility, and thermodynamic stability) indicates that this missense variant is not expected to disrupt ATRX protein function with a negative predictive value of 95%. In summary, the available evidence is currently insufficient to determine the role of this variant in disease. Therefore, it has been classified as a Variant of Uncertain Significance.

Ambry Genetics
Classification: Uncertain significance for Inborn genetic diseases. Last evaluated: 2024-05-16. Review status: criteria provided, single submitter. Criteria: Ambry Variant Classification Scheme 2023. Collection method: clinical testing. Allele origin: germline.

CeGaT Center for Human Genetics Tuebingen
Classification: Likely benign. Last evaluated: 2022-06-01. Review status: criteria provided, single submitter. Criteria: CeGaT Center For Human Genetics Tuebingen Variant Classification Criteria Version 2. Collection method: clinical testing. Allele origin: germline. Affected: yes. Observed: 1 variant allele.
Comment: ATRX: PP2, BS2

ITMI
No classification provided. Condition: AllHighlyPenetrant. Last evaluated: 2013-09-19. Review status: no classification provided. Collection method: reference population. Allele origin: germline. Not counted in ClinVar's aggregate classification.
Comment: Please see associated publication for description of ethnicities

Literature cited by the submitters: PubMed 24728327 (cited by ITMI).